The following is an entry in ClinVar:

ClinVar aggregate classification (germline): Uncertain significance. Review status: criteria provided, multiple submitters, no conflicts (2 of 4 stars). 2 submissions from 2 submitters: Uncertain significance (2). Last evaluated 2025-12-02.

Conditions:
DICER1-related tumor predisposition. Also called: DICER1 syndrome; DICER1-related pleuropulmonary blastoma cancer predisposition syndrome. Identifiers: Orphanet 284343, MedGen C3839822, MONDO:0100216.
Hereditary cancer-predisposing syndrome. Also called: Tumor predisposition; Hereditary neoplastic syndrome; Hereditary Cancer Syndrome; Neoplastic Syndromes, Hereditary. Identifiers: Orphanet 140162, MedGen C0027672, MeSH D009386, MONDO:0015356.

Submissions (2):

Ambry Genetics
Classification: Uncertain significance for Hereditary cancer-predisposing syndrome. Last evaluated: 2025-12-02. Review status: criteria provided, single submitter. Criteria: Ambry Variant Classification Scheme 2023. Collection method: clinical testing. Allele origin: germline.
Comment: The p.D319E variant (also known as c.957T>A), located in coding exon 7 of the DICER1 gene, results from a T to A substitution at nucleotide position 957. The aspartic acid at codon 319 is replaced by glutamic acid, an amino acid with highly similar properties. This amino acid position is conserved. In addition, the in silico prediction for this alteration is inconclusive. Based on the available evidence, the clinical significance of this variant remains unclear.

Labcorp Genetics (formerly Invitae), Labcorp
Classification: Uncertain significance for DICER1-related tumor predisposition. Last evaluated: 2021-10-19. Review status: criteria provided, single submitter. Criteria: Invitae Variant Classification Sherloc (09022015). Collection method: clinical testing. Allele origin: germline.
Comment: This sequence change replaces aspartic acid with glutamic acid at codon 319 of the DICER1 protein (p.Asp319Glu). The aspartic acid residue is highly conserved and there is a small physicochemical difference between aspartic acid and glutamic acid. This variant is not present in population databases (ExAC no frequency). This variant has not been reported in the literature in individuals affected with DICER1-related conditions. Algorithms developed to predict the effect of missense changes on protein structure and function are either unavailable or do not agree on the potential impact of this missense change (SIFT: "Tolerated"; PolyPhen-2: "Possibly Damaging"; Align-GVGD: "Class C0"). In summary, the available evidence is currently insufficient to determine the role of this variant in disease. Therefore, it has been classified as a Variant of Uncertain Significance.

NM_177438.3(DICER1):c.957T>A (p.Asp319Glu)

Gene: DICER1 (dicer 1, ribonuclease III; minus strand). Cytogenetic location: 14q32.13.
Variant type: single nucleotide variant.
Coding change: c.957T>A on transcript NM_177438.3 (MANE Select); coding-DNA position 957, T replaced by A.
Protein change: p.Asp319Glu; replaces aspartic acid 319 with glutamic acid.
Molecular consequence: missense variant.
Genome position (GRCh38, 1-based): chr14:95,124,615, A>T on the plus strand (T>A on the coding strand, the complement: DICER1 is on the minus strand). VCF-style: chr14-95124615-A-T. GRCh37 (hg19) VCF-style: chr14-95590952-A-T.
Other names: c.957T>A, p.Asp319Glu (NM_001195573.1, NM_001271282.3, NM_001291628.2 and 1 more transcripts); short protein forms D319E.
Identifiers: ClinVar variation 1443248 (VCV001443248.7), dbSNP rs748873046, ClinGen allele CA390887292.
Genomic context (GRCh38, chr14:95,124,615, plus strand): 5'-CTCCTCTTGCTCATGTTTGATGTATTTCTGTAGTTCTCTTACCATCATTCCAGCTACTTT[A>T]TCTGCACACCAGGGTCCCAGAACTACCAATACGGCACGACAGTCTGATAGTATCTACAAA-3'
Protein context (NP_803187.1, residues 309-329): VLVVLGPWCA[Asp319Glu]KVAGMMVREL